The following is an entry in ClinVar:

ClinVar aggregate classification (germline): Uncertain significance (1 of 4 stars; one submission).

Conditions:
Inosine triphosphatase deficiency. Also called: INOSINE TRIPHOSPHATE PYROPHOSPHOHYDROLASE DEFICIENCY. Identifiers: MedGen C0342800, MONDO:0013461, OMIM 613850.

Submission:

Labcorp Genetics (formerly Invitae), Labcorp
Classification: Uncertain significance for Inosine triphosphatase deficiency. Last evaluated: 2022-02-09. Review status: criteria provided, single submitter. Criteria: Invitae Variant Classification Sherloc (09022015). Collection method: clinical testing. Allele origin: germline.
Comment: This sequence change replaces valine, which is neutral and non-polar, with methionine, which is neutral and non-polar, at codon 129 of the ITPA protein (p.Val129Met). This variant is present in population databases (rs200558616, gnomAD 0.02%). This variant has not been reported in the literature in individuals affected with ITPA-related conditions. Algorithms developed to predict the effect of missense changes on protein structure and function are either unavailable or do not agree on the potential impact of this missense change (SIFT: "Deleterious"; PolyPhen-2: "Probably Damaging"; Align-GVGD: "Class C0"). In summary, the available evidence is currently insufficient to determine the role of this variant in disease. Therefore, it has been classified as a Variant of Uncertain Significance.

NM_033453.4(ITPA):c.385G>A (p.Val129Met)

Genes: ITPA (inosine triphosphatase; plus strand), LOC130065322 (ATAC-STARR-seq lymphoblastoid silent region 12615; plus strand). Cytogenetic location: 20p13.
Variant type: single nucleotide variant.
Coding change: c.385G>A on transcript NM_033453.4 (MANE Select); coding-DNA position 385, G replaced by A.
Protein change: p.Val129Met; replaces valine 129 with methionine.
Molecular consequence: missense variant. On other transcripts: synonymous variant (4), non-coding transcript variant (2).
Genome position (GRCh38, 1-based): chr20:3,218,606, G>A. VCF-style: chr20-3218606-G-A. GRCh37 (hg19) VCF-style: chr20-3199252-G-A.
Other names: c.262G>A, p.Val88Met (NM_001267623.2); c.48G>A, p.Pro16= (NM_001324236.2, NM_001324237.2, NM_001324238.2 and 1 more transcripts); c.385G>A, p.Val129Met (NM_001324240.2, NM_001424408.1); c.511G>A, p.Val171Met (NM_001424409.1); c.334G>A, p.Val112Met (NM_181493.4); short protein forms V112M, V129M, V88M, V171M.
Identifiers: ClinVar variation 1937864 (VCV001937864.2), dbSNP rs200558616, ClinGen allele CA9741280.